The following is an entry in ClinVar:

NM_001034853.2(RPGR):c.469+5G>A

Gene: RPGR (retinitis pigmentosa GTPase regulator; minus strand). Cytogenetic location: Xp11.4.
Variant type: single nucleotide variant.
Coding change: c.469+5G>A on transcript NM_001034853.2 (MANE Select); 5 bases into the intron after coding-DNA position 469, G replaced by A.
Molecular consequence: intron variant.
Genome position (GRCh38, 1-based): chrX:38,318,824, C>T on the plus strand (G>A on the coding strand, the complement: RPGR is on the minus strand). VCF-style: chrX-38318824-C-T. GRCh37 (hg19) VCF-style: chrX-38178077-C-T.
Other names: c.466+5G>A (NM_001367249.1); c.469+5G>A (NM_001367250.1, NM_001367245.1, NM_001367251.1 and 3 more transcripts); c.499+5G>A (NM_001367248.1).
Identifiers: ClinVar variation 3775988 (VCV003775988.1).

ClinVar aggregate classification (germline): Uncertain significance (1 of 4 stars; one submission).

Conditions:
Retinitis pigmentosa 3. Also called: CHOROIDORETINAL DEGENERATION WITH RETINAL REFLEX IN HETEROZYGOUS WOMEN. Identifiers: Orphanet 791, MedGen C1845667, MONDO:0010227, OMIM 300029.

Submission:

3billion
Classification: Uncertain significance for Retinitis pigmentosa 3. Last evaluated: 2024-03-12. Review status: criteria provided, single submitter. Criteria: ACMG Guidelines, 2015. Collection method: clinical testing. Allele origin: germline. Affected: yes.
Comment: The variant is not observed in the gnomAD v2.1.1 dataset. Predicted Consequence/Location: Intron variant In silico tools predict the variant to alter splicing and produce an abnormal transcript [SpliceAI: 0.78 (>=0.2, moderate evidence for spliceogenicity)]. Therefore, this variant is classified as VUS according to the recommendation of ACMG/AMP guideline.